The following is an entry in ClinVar:

NM_004456.5(EZH2):c.1260A>T (p.Gln420His)

Gene: EZH2 (enhancer of zeste 2 polycomb repressive complex 2 subunit; minus strand). Cytogenetic location: 7q36.1.
Variant type: single nucleotide variant.
Coding change: c.1260A>T on transcript NM_004456.5 (MANE Select); coding-DNA position 1260, A replaced by T.
Protein change: p.Gln420His; replaces glutamine 420 with histidine.
Molecular consequence: missense variant.
Genome position (GRCh38, 1-based): chr7:148,817,372, T>A on the plus strand (A>T on the coding strand, the complement: EZH2 is on the minus strand). VCF-style: chr7-148817372-T-A. GRCh37 (hg19) VCF-style: chr7-148514464-T-A.
Other names: c.1245A>T, p.Gln415His (NM_001203247.2); c.1218A>T, p.Gln406His (NM_001203248.2, NM_001203249.2); c.1128A>T, p.Gln376His (NM_152998.3); short protein forms Q415H, Q376H, Q420H, Q406H.
Identifiers: ClinVar variation 2096286 (VCV002096286.4), dbSNP rs2536646779, ClinGen allele CA369715521.

ClinVar aggregate classification (germline): Uncertain significance (1 of 4 stars; one submission).

Conditions:
Weaver syndrome (WVS). Also called: Weaver Smith syndrome; Overgrowth syndrome with accelerated skeletal maturation, unusual facies, and camptodactyly. Identifiers: Orphanet 3447, MedGen C0265210, MONDO:0010193, OMIM 277590.

Submission:

Labcorp Genetics (formerly Invitae), Labcorp
Classification: Uncertain significance for Weaver syndrome. Last evaluated: 2024-04-29. Review status: criteria provided, single submitter. Criteria: Invitae Variant Classification Sherloc (09022015). Collection method: clinical testing. Allele origin: germline.
Comment: This sequence change replaces glutamine, which is neutral and polar, with histidine, which is basic and polar, at codon 420 of the EZH2 protein (p.Gln420His). This variant is not present in population databases (gnomAD no frequency). This variant has not been reported in the literature in individuals affected with EZH2-related conditions. ClinVar contains an entry for this variant (Variation ID: 2096286). Advanced modeling of protein sequence and biophysical properties (such as structural, functional, and spatial information, amino acid conservation, physicochemical variation, residue mobility, and thermodynamic stability) performed at Invitae indicates that this missense variant is not expected to disrupt EZH2 protein function with a negative predictive value of 80%. In summary, the available evidence is currently insufficient to determine the role of this variant in disease. Therefore, it has been classified as a Variant of Uncertain Significance.